The following is an entry in ClinVar:

ClinVar aggregate classification (germline): Benign/Likely benign. Review status: criteria provided, multiple submitters, no conflicts (2 of 4 stars). 5 submissions from 5 submitters: Benign (4); Likely benign (1). Last evaluated 2025-12-20.

Conditions:
Deficiency of isobutyryl-CoA dehydrogenase. Also called: ACYL-CoA DEHYDROGENASE FAMILY, MEMBER 8, DEFICIENCY OF; IBD DEFICIENCY; ACAD8 DEFICIENCY. Identifiers: Orphanet 79159, MedGen C1969809, MONDO:0012648, OMIM 611283.

Allele frequency attached by ClinVar (database versions not stated): gnomAD exomes 0.00102 and 0.00240; ExAC 0.00302; 1000 Genomes Project 0.00879; 1000 Genomes Project 30x 0.00890; ESP Exome Variant Server 0.00916; gnomAD 0.00921 and 0.01003; TOPMed 0.01100.
gnomAD v4.1: 2,985 of 1,613,606 alleles (0.18%); highest among the groups gnomAD compares: African/African-American, 3.4%; 51 homozygotes.

Submissions (11):

Labcorp Genetics (formerly Invitae), Labcorp
Classification: Benign for Deficiency of isobutyryl-CoA dehydrogenase. Last evaluated: 2025-12-20. Review status: criteria provided, single submitter. Criteria: Invitae Variant Classification Sherloc (09022015). Collection method: clinical testing. Allele origin: germline.

Fulgent Genetics
Classification: Likely benign for Deficiency of isobutyryl-CoA dehydrogenase. Last evaluated: 2021-10-08. Review status: criteria provided, single submitter. Criteria: ACMG Guidelines, 2015. Collection method: clinical testing. Allele origin: unknown.

Illumina Laboratory Services, Illumina
Classification: Benign for Deficiency of isobutyryl-CoA dehydrogenase. Last evaluated: 2018-01-13. Review status: criteria provided, single submitter. Criteria: ICSL Variant Classification Criteria 13 December 2019. Collection method: clinical testing. Allele origin: germline.
Comment: This variant was observed in the ICSL laboratory as part of a predisposition screen in an ostensibly healthy population. It had not been previously curated by ICSL or reported in the Human Gene Mutation Database (HGMD: prior to June 1st, 2018), and was therefore a candidate for classification through an automated scoring system. Utilizing variant allele frequency, disease prevalence and penetrance estimates, and inheritance mode, an automated score was calculated to assess if this variant is too frequent to cause the disease. Based on the score and internal cut-off values, a variant classified as benign is not then subjected to further curation. The score for this variant resulted in a classification of benign for this disease.

Eurofins Ntd Llc (ga)
Classification: Benign. Last evaluated: 2017-02-01. Review status: criteria provided, single submitter. Criteria: EGL Classification Definitions 2015. Collection method: clinical testing. Allele origin: germline. Observed: 1 variant allele, 1 heterozygote.

Breakthrough Genomics
Classification: Benign. Review status: criteria provided, single submitter. Criteria: ACMG Guidelines, 2015. Collection method: not provided. Allele origin: germline. Inheritance: Autosomal recessive inheritance. Affected: yes.

Dr. Peter K. Rogan Lab, Western University
No classification provided (evidence only). Condition: Familial cancer of breast. Review status: no classification provided. Collection method: in vitro. Allele origin: not applicable. Functional consequence: retained intron. Not counted in ClinVar's aggregate classification.

Dr. Peter K. Rogan Lab, Western University
No classification provided (evidence only). Condition: Familial cancer of breast. Review status: no classification provided. Collection method: in vitro. Allele origin: not applicable. Functional consequence: retained intron. Not counted in ClinVar's aggregate classification.

Dr. Peter K. Rogan Lab, Western University
No classification provided (evidence only). Condition: Uterine corpus endometrial carcinoma. Review status: no classification provided. Collection method: in vitro. Allele origin: not applicable. Functional consequence: retained intron. Not counted in ClinVar's aggregate classification.

Dr. Peter K. Rogan Lab, Western University
No classification provided (evidence only). Condition: Cervical cancer. Review status: no classification provided. Collection method: in vitro. Allele origin: not applicable. Functional consequence: skipped exon. Not counted in ClinVar's aggregate classification.

Dr. Peter K. Rogan Lab, Western University
No classification provided (evidence only). Condition: Gastric cancer. Review status: no classification provided. Collection method: in vitro. Allele origin: not applicable. Functional consequence: retained intron. Not counted in ClinVar's aggregate classification.

Dr. Peter K. Rogan Lab, Western University
No classification provided (evidence only). Condition: Gastric cancer. Review status: no classification provided. Collection method: in vitro. Allele origin: not applicable. Functional consequence: retained intron. Not counted in ClinVar's aggregate classification.

NM_014384.3(ACAD8):c.210+6C>T

Gene: ACAD8 (acyl-CoA dehydrogenase family member 8; plus strand). Cytogenetic location: 11q25.
Variant type: single nucleotide variant.
Coding change: c.210+6C>T on transcript NM_014384.3 (MANE Select); 6 bases into the intron after coding-DNA position 210, C replaced by T.
Molecular consequence: intron variant.
Genome position (GRCh38, 1-based): chr11:134,256,654, C>T. VCF-style: chr11-134256654-C-T. GRCh37 (hg19) VCF-style: chr11-134126548-C-T.
Identifiers: ClinVar variation 468861 (VCV000468861.22), dbSNP rs148089913, ClinGen allele CA6372857.
Genomic context (GRCh38, chr11:134,256,654, plus strand): 5'-CTTTGACTTTGCTGCCCGAGAGATGGCTCCAAATATGGCAGAGTGGGACCAGAAGGTAGG[C>T]GTTTTTCTTGTGCTTAGACGTTCTAACAACAGATGTCTCAGGCAGACCTTTATCTTTGTC-3'